The following is an entry in ClinVar:

ClinVar aggregate classification (germline): Uncertain significance (1 of 4 stars; one submission).

Allele frequency attached by ClinVar (database versions not stated): gnomAD exomes below 0.00001.
gnomAD v4.1: 1 of 1,613,996 alleles (0.000062%); highest among the groups gnomAD compares: Admixed American, 0.0017%; no homozygotes.

Submission:

Labcorp Genetics (formerly Invitae), Labcorp
Classification: Uncertain significance. Last evaluated: 2022-01-19. Review status: criteria provided, single submitter. Criteria: Invitae Variant Classification Sherloc (09022015). Collection method: clinical testing. Allele origin: germline.
Comment: In summary, the available evidence is currently insufficient to determine the role of this variant in disease. Therefore, it has been classified as a Variant of Uncertain Significance. Algorithms developed to predict the effect of missense changes on protein structure and function output the following: SIFT: "Tolerated"; PolyPhen-2: "Benign"; Align-GVGD: "Class C0". The isoleucine amino acid residue is found in multiple mammalian species, which suggests that this missense change does not adversely affect protein function. This variant has not been reported in the literature in individuals affected with VCAN-related conditions. This variant is present in population databases (no rsID available, gnomAD 0.003%). This sequence change replaces methionine, which is neutral and non-polar, with isoleucine, which is neutral and non-polar, at codon 2488 of the VCAN protein (p.Met2488Ile).

NM_004385.5(VCAN):c.7464G>C (p.Met2488Ile)

Genes: VCAN (versican; plus strand), VCAN-AS1 (VCAN antisense RNA 1; minus strand). Cytogenetic location: 5q14.3.
Variant type: single nucleotide variant.
Coding change: c.7464G>C on transcript NM_004385.5 (MANE Select); coding-DNA position 7464, G replaced by C.
Protein change: p.Met2488Ile; replaces methionine 2488 with isoleucine.
Molecular consequence: missense variant. On other transcripts: intron variant (2).
Genome position (GRCh38, 1-based): chr5:83,540,467, G>C. VCF-style: chr5-83540467-G-C. GRCh37 (hg19) VCF-style: chr5-82836286-G-C.
Other names: c.4503G>C, p.Met1501Ile (NM_001164097.2); c.4004-5070G>C (NM_001164098.2); c.1043-5070G>C (NM_001126336.3); short protein forms M2488I, M1501I.
Identifiers: ClinVar variation 1925999 (VCV001925999.5), dbSNP rs1266750330, ClinGen allele CA360314790.